The following is an entry in ClinVar:

ClinVar aggregate classification (germline): Likely benign (1 of 4 stars; one submission).

gnomAD v4.1: 1 of 1,594,768 alleles (0.000063%); highest among the groups gnomAD compares: Non-Finnish European, 0.000086%; no homozygotes.

Submission:

CeGaT Center for Human Genetics Tuebingen
Classification: Likely benign. Last evaluated: 2024-09-01. Review status: criteria provided, single submitter. Criteria: CeGaT Center For Human Genetics Tuebingen Variant Classification Criteria Version 2. Collection method: clinical testing. Allele origin: germline. Affected: yes. Observed: 1 variant allele.
Comment: GTPBP3: BP4, BP7

NM_032620.4(GTPBP3):c.1449C>T (p.Ile483=)

Gene: GTPBP3 (GTP binding protein 3, mitochondrial; plus strand). Cytogenetic location: 19p13.11.
Variant type: single nucleotide variant.
Coding change: c.1449C>T on transcript NM_032620.4 (MANE Select); coding-DNA position 1449, C replaced by T.
Protein change: p.Ile483=; no amino-acid change (isoleucine 483 retained).
Molecular consequence: synonymous variant.
Genome position (GRCh38, 1-based): chr19:17,341,673, C>T. VCF-style: chr19-17341673-C-T. GRCh37 (hg19) VCF-style: chr19-17452482-C-T.
Other names: c.1386C>T, p.Ile462= (NM_001128855.3); c.1515C>T, p.Ile505= (NM_001195422.1); c.1545C>T, p.Ile515= (NM_133644.4).
Identifiers: ClinVar variation 3389233 (VCV003389233.14).